The following is an entry in ClinVar:

NM_001048174.2(MUTYH):c.1061C>G (p.Ala354Gly)

Gene: MUTYH (mutY DNA glycosylase; minus strand). Cytogenetic location: 1p34.1.
Variant type: single nucleotide variant.
Coding change: c.1061C>G on transcript NM_001048174.2 (MANE Select); coding-DNA position 1061, C replaced by G.
Protein change: p.Ala354Gly; replaces alanine 354 with glycine.
Molecular consequence: missense variant. On other transcripts: non-coding transcript variant (7).
Genome position (GRCh38, 1-based): chr1:45,331,702, G>C on the plus strand (C>G on the coding strand, the complement: MUTYH is on the minus strand). VCF-style: chr1-45331702-G-C. GRCh37 (hg19) VCF-style: chr1-45797374-G-C.
Other names: c.1061C>G, p.Ala354Gly (NM_001048171.2, NM_001048173.2, NM_001293195.2 and 6 more transcripts); c.1064C>G, p.Ala355Gly (NM_001048172.2, NM_001407071.1, NM_001407078.1 and 1 more transcripts); c.1145C>G, p.Ala382Gly (NM_001128425.2); c.1106C>G, p.Ala369Gly (NM_001293190.2); c.1094C>G, p.Ala365Gly (NM_001293191.2, NM_001407069.1, NM_001407077.1); c.785C>G, p.Ala262Gly (NM_001293192.2, NM_001293196.2, NM_001407091.1); c.716C>G, p.Ala239Gly (NM_001350650.2, NM_001350651.2, NM_001407082.1); c.977C>G, p.Ala326Gly (NM_001407075.1); and 5 more; short protein forms A341G, A354G, A326G, A340G, A365G, A262G, A355G, A368G.
Identifiers: ClinVar variation 4113053 (VCV004113053.1).

ClinVar aggregate classification (germline): Uncertain significance (1 of 4 stars; one submission).

Conditions:
Hereditary cancer-predisposing syndrome. Also called: Tumor predisposition; Neoplastic Syndromes, Hereditary; Hereditary neoplastic syndrome; Hereditary Cancer Syndrome. Identifiers: Orphanet 140162, MedGen C0027672, MeSH D009386, MONDO:0015356.

Submission:

Ambry Genetics
Classification: Uncertain significance for Hereditary cancer-predisposing syndrome. Last evaluated: 2025-08-27. Review status: criteria provided, single submitter. Criteria: Ambry Variant Classification Scheme 2023. Collection method: clinical testing. Allele origin: germline.
Comment: The p.A382G variant (also known as c.1145C>G), located in coding exon 12 of the MUTYH gene, results from a C to G substitution at nucleotide position 1145. The alanine at codon 382 is replaced by glycine, an amino acid with similar properties. This amino acid position is conserved. In addition, this alteration is predicted to be tolerated by in silico analysis. Based on the available evidence, the clinical significance of this variant remains unclear.